The following is an entry in ClinVar:

NM_000836.4(GRIN2D):c.2271C>T (p.Ile757=)

Gene: GRIN2D (glutamate ionotropic receptor NMDA type subunit 2D; plus strand). Cytogenetic location: 19q13.33.
Variant type: single nucleotide variant.
Coding change: c.2271C>T on transcript NM_000836.4 (MANE Select); coding-DNA position 2271, C replaced by T.
Protein change: p.Ile757=; no amino-acid change (isoleucine 757 retained).
Molecular consequence: synonymous variant.
Genome position (GRCh38, 1-based): chr19:48,441,787, C>T. VCF-style: chr19-48441787-C-T. GRCh37 (hg19) VCF-style: chr19-48945044-C-T.
Identifiers: ClinVar variation 769978 (VCV000769978.37), dbSNP rs144676582, ClinGen allele CA9550706.

ClinVar aggregate classification (germline): Benign/Likely benign. Review status: criteria provided, multiple submitters, no conflicts (2 of 4 stars). 6 submissions from 6 submitters: Benign (1); Likely benign (2). 3 of the submissions do not count toward it. Last evaluated 2026-04-01.

Conditions:
GRIN2D-related disorder. Also called: GRIN2D-related condition.

Allele frequency attached by ClinVar (database versions not stated): 1000 Genomes Project 0.00120; 1000 Genomes Project 30x 0.00125; gnomAD 0.00163 and 0.00167; gnomAD exomes 0.00175 and 0.00210; TOPMed 0.00182; ExAC 0.00192; ESP Exome Variant Server 0.00238.
gnomAD v4.1: 3,285 of 1,612,336 alleles (0.2%); highest among the groups gnomAD compares: Non-Finnish European, 0.25%; 9 homozygotes.

Submissions (6):

CeGaT Center for Human Genetics Tuebingen
Classification: Likely benign. Last evaluated: 2026-04-01. Review status: criteria provided, single submitter. Criteria: CeGaT Center For Human Genetics Tuebingen Variant Classification Criteria Version 2. Collection method: clinical testing. Allele origin: germline. Affected: yes. Observed: 15 variant alleles.
Comment: GRIN2D: BP4, BP7, BS1

Labcorp Genetics (formerly Invitae), Labcorp
Classification: Benign. Last evaluated: 2026-01-27. Review status: criteria provided, single submitter. Criteria: Invitae Variant Classification Sherloc (09022015). Collection method: clinical testing. Allele origin: germline.

Blueprint Genetics
Classification: Likely benign. Last evaluated: 2024-11-26. Review status: criteria provided, single submitter. Criteria: ACMG Guidelines, 2015. Collection method: clinical testing. Allele origin: germline.

PreventionGenetics, part of Exact Sciences
Classification: Likely benign for GRIN2D-related condition. Last evaluated: 2019-10-14. Review status: no assertion criteria provided. Collection method: clinical testing. Allele origin: germline. Not counted in ClinVar's aggregate classification.
Comment: This variant is classified as likely benign based on ACMG/AMP sequence variant interpretation guidelines (Richards et al. 2015 PMID: 25741868, with internal and published modifications).

Clinical Genetics DNA and cytogenetics Diagnostics Lab, Erasmus MC, Erasmus Medical Center
Classification: Likely benign. Review status: no assertion criteria provided. Collection method: clinical testing. Allele origin: germline. Affected: yes. Study: VKGL Data-share Consensus. Not counted in ClinVar's aggregate classification.

Genome Diagnostics Laboratory, University Medical Center Utrecht
Classification: Likely benign. Review status: no assertion criteria provided. Collection method: clinical testing. Allele origin: germline. Affected: yes. Study: VKGL Data-share Consensus. Not counted in ClinVar's aggregate classification.